The following is an entry in ClinVar:

ClinVar aggregate classification (germline): Uncertain significance (1 of 4 stars; one submission).

Conditions:
Severe combined immunodeficiency due to DNA-PKcs deficiency. Also called: IMMUNODEFICIENCY 26 WITH NEUROLOGIC ABNORMALITIES; Immunodeficiency 26 with or without neurologic abnormalities. Identifiers: Orphanet 317425, MedGen C4014833, MONDO:0014423, OMIM 615966.

Allele frequency attached by ClinVar (database versions not stated): gnomAD exomes below 0.00001 and 0.00001; ExAC 0.00001; gnomAD 0.00001; TOPMed 0.00001; ESP Exome Variant Server 0.00008.
gnomAD v4.1: 5 of 1,613,694 alleles (0.00031%); highest among the groups gnomAD compares: Non-Finnish European, 0.00042%; no homozygotes.

Submission:

Labcorp Genetics (formerly Invitae), Labcorp
Classification: Uncertain significance for Severe combined immunodeficiency due to DNA-PKcs deficiency. Last evaluated: 2021-12-08. Review status: criteria provided, single submitter. Criteria: Invitae Variant Classification Sherloc (09022015). Collection method: clinical testing. Allele origin: germline.
Comment: ClinVar contains an entry for this variant (Variation ID: 854200). In summary, the available evidence is currently insufficient to determine the role of this variant in disease. Therefore, it has been classified as a Variant of Uncertain Significance. This variant has not been reported in the literature in individuals affected with PRKDC-related conditions. This variant is present in population databases (rs376717552, gnomAD 0.002%). This sequence change replaces alanine, which is neutral and non-polar, with aspartic acid, which is acidic and polar, at codon 2961 of the PRKDC protein (p.Ala2961Asp).

NM_006904.7(PRKDC):c.8882C>A (p.Ala2961Asp)

Gene: PRKDC (protein kinase, DNA-activated, catalytic subunit; minus strand). Cytogenetic location: 8q11.21.
Variant type: single nucleotide variant.
Coding change: c.8882C>A on transcript NM_006904.7 (MANE Select); coding-DNA position 8882, C replaced by A.
Protein change: p.Ala2961Asp; replaces alanine 2961 with aspartic acid.
Molecular consequence: missense variant.
Genome position (GRCh38, 1-based): chr8:47,823,898, G>T on the plus strand (C>A on the coding strand, the complement: PRKDC is on the minus strand). VCF-style: chr8-47823898-G-T. GRCh37 (hg19) VCF-style: chr8-48736459-G-T.
Other names: c.8882C>A, p.Ala2961Asp (NM_001081640.2); short protein forms A2961D.
Identifiers: ClinVar variation 854200 (VCV000854200.4), dbSNP rs376717552, ClinGen allele CA4739709.